The following is an entry in ClinVar:

NM_004415.4(DSP):c.4625A>G (p.Tyr1542Cys)

Gene: DSP (desmoplakin; plus strand). Cytogenetic location: 6p24.3.
Variant type: single nucleotide variant.
Coding change: c.4625A>G on transcript NM_004415.4 (MANE Select); coding-DNA position 4625, A replaced by G.
Protein change: p.Tyr1542Cys; replaces tyrosine 1542 with cysteine.
Molecular consequence: missense variant. On other transcripts: intron variant (2).
Genome position (GRCh38, 1-based): chr6:7,580,815, A>G. VCF-style: chr6-7580815-A-G. GRCh37 (hg19) VCF-style: chr6-7581048-A-G.
Other names: c.4050+575A>G (NM_001319034.2); c.3582+1043A>G (NM_001008844.3); short protein forms Y1542C.
Identifiers: ClinVar variation 921644 (VCV000921644.11), dbSNP rs1279142467, ClinGen allele CA362686805.

ClinVar aggregate classification (germline): Uncertain significance. Review status: criteria provided, multiple submitters, no conflicts (2 of 4 stars). 3 submissions from 3 submitters: Uncertain significance (3). Last evaluated 2025-09-28.

Conditions:
Arrhythmogenic right ventricular dysplasia 8 (ARVD8). Also called: Arrhythmogenic Right Ventricular Dysplasia/Cardiomyopathy 8; ARRHYTHMOGENIC RIGHT VENTRICULAR DYSPLASIA, FAMILIAL, 8; ARRHYTHMOGENIC RIGHT VENTRICULAR CARDIOMYOPATHY 8. Identifiers: MedGen C1843896, MONDO:0011831, OMIM 607450.
Arrhythmogenic cardiomyopathy with wooly hair and keratoderma. Also called: PALMOPLANTAR KERATODERMA WITH LEFT VENTRICULAR CARDIOMYOPATHY AND WOOLLY HAIR; Carvajal syndrome; Dilated cardiomyopathy with woolly hair and keratoderma; Arrhythmogenic cardiomyopathy with woolly hair and keratoderma. Identifiers: Orphanet 65282, MedGen C1854063, MONDO:0011581, OMIM 605676.
Cardiovascular phenotype. Identifiers: MedGen CN230736.
Cardiomyopathy (CMYO). Also called: Cardiomyopathies. Identifiers: Orphanet 167848, MedGen C0878544, MONDO:0004994, HP:0001638. Inheritance: Various modes of inheritance.

Allele frequency attached by ClinVar (database versions not stated): gnomAD 0.00001; gnomAD exomes 0.00001; TOPMed 0.00001.

Submissions (3):

Labcorp Genetics (formerly Invitae), Labcorp
Classification: Uncertain significance for Arrhythmogenic cardiomyopathy with wooly hair and keratoderma; Arrhythmogenic right ventricular dysplasia 8. Last evaluated: 2025-09-28. Review status: criteria provided, single submitter. Criteria: Invitae Variant Classification Sherloc (09022015). Collection method: clinical testing. Allele origin: germline.
Comment: This sequence change replaces tyrosine, which is neutral and polar, with cysteine, which is neutral and slightly polar, at codon 1542 of the DSP protein (p.Tyr1542Cys). This variant is not present in population databases (gnomAD no frequency). This variant has not been reported in the literature in individuals affected with DSP-related conditions. ClinVar contains an entry for this variant (Variation ID: 921644). An algorithm developed to predict the effect of missense changes on protein structure and function (PolyPhen-2) suggests that this variant is likely to be tolerated. In summary, the available evidence is currently insufficient to determine the role of this variant in disease. Therefore, it has been classified as a Variant of Uncertain Significance.

Ambry Genetics
Classification: Uncertain significance for Cardiovascular phenotype. Last evaluated: 2024-10-09. Review status: criteria provided, single submitter. Criteria: Ambry Variant Classification Scheme 2023. Collection method: clinical testing. Allele origin: germline.

Color Diagnostics, LLC DBA Color Health
Classification: Uncertain significance for Cardiomyopathy. Last evaluated: 2023-12-05. Review status: criteria provided, single submitter. Criteria: ACMG Guidelines, 2015. Collection method: clinical testing. Allele origin: germline.
Comment: This missense variant replaces tyrosine with cysteine at codon 1542 of the DSP protein. Computational prediction tools and conservation analyses are inconclusive regarding the impact of this variant on the protein function. Computational splicing tools suggest that this variant may not impact RNA splicing. To our knowledge, functional assays have not been performed for this variant nor has this variant been reported in individuals affected with cardiovascular disorders in the literature. This variant has not been identified in the general population by the Genome Aggregation Database (gnomAD). Available evidence is insufficient to determine the role of this variant in disease conclusively. Therefore, this variant is classified as a Variant of Uncertain Significance.